The following is an entry in ClinVar:

NM_033118.4(MYLK2):c.371G>A (p.Gly124Glu)

Gene: MYLK2 (myosin light chain kinase 2; plus strand). Cytogenetic location: 20q11.21.
Variant type: single nucleotide variant.
Coding change: c.371G>A on transcript NM_033118.4 (MANE Select); coding-DNA position 371, G replaced by A.
Protein change: p.Gly124Glu; replaces glycine 124 with glutamic acid.
Molecular consequence: missense variant.
Genome position (GRCh38, 1-based): chr20:31,820,444, G>A. VCF-style: chr20-31820444-G-A. GRCh37 (hg19) VCF-style: chr20-30408247-G-A.
Other names: short protein forms G124E.
Identifiers: ClinVar variation 862126 (VCV000862126.9), dbSNP rs772970924, ClinGen allele CA9802902.
Genomic context (GRCh38, chr20:31,820,444, plus strand): 5'-CTGAGACCAGCGTCAAGAAGCCCAAGGCTGAGCAGGGAGCCTCAGGCAGCCAGGATCCTG[G>A]AAAGCCCAGGGTGGGCAAGAAGGCAGCAGAGGGCCAAGCAGCAGCCAGGAGGGGCTCACC-3'
Protein context (NP_149109.1, residues 114-134): EQGASGSQDP[Gly124Glu]KPRVGKKAAE

ClinVar aggregate classification (germline): Uncertain significance (1 of 4 stars; one submission).

Conditions:
Hypertrophic cardiomyopathy 1 (CMH1). Also called: MYH7-Related Familial Hypertrophic Cardiomyopathy; Familial hypertrophic cardiomyopathy 1. Identifiers: MedGen C3495498, MONDO:0008647, OMIM 192600.

Allele frequency attached by ClinVar (database versions not stated): gnomAD exomes below 0.00001; ExAC 0.00001.
gnomAD v4.1: 1 of 1,612,584 alleles (0.000062%); highest among the groups gnomAD compares: Non-Finnish European, 0.000085%; no homozygotes.

Submission:

Labcorp Genetics (formerly Invitae), Labcorp
Classification: Uncertain significance for Hypertrophic cardiomyopathy 1. Last evaluated: 2019-03-05. Review status: criteria provided, single submitter. Criteria: Invitae Variant Classification Sherloc (09022015). Collection method: clinical testing. Allele origin: germline.
Comment: Algorithms developed to predict the effect of missense changes on protein structure and function output the following: SIFT: "Tolerated"; PolyPhen-2: "Benign"; Align-GVGD: "Class C0". The glutamic acid amino acid residue is found in multiple mammalian species, suggesting that this missense change does not adversely affect protein function. These predictions have not been confirmed by published functional studies and their clinical significance is uncertain. This variant has not been reported in the literature in individuals with MYLK2-related conditions. This variant is present in population databases (rs772970924, ExAC 0.002%). This sequence change replaces glycine with glutamic acid at codon 124 of the MYLK2 protein (p.Gly124Glu). The glycine residue is moderately conserved and there is a moderate physicochemical difference between glycine and glutamic acid. In summary, the available evidence is currently insufficient to determine the role of this variant in disease. Therefore, it has been classified as a Variant of Uncertain Significance.